The following is an entry in ClinVar:

NM_000531.6(OTC):c.785C>A (p.Thr262Lys)

Gene: OTC (ornithine transcarbamylase; plus strand). Cytogenetic location: Xp11.4.
Variant type: single nucleotide variant.
Coding change: c.785C>A on transcript NM_000531.6 (MANE Select); coding-DNA position 785, C replaced by A.
Protein change: p.Thr262Lys; replaces threonine 262 with lysine.
Molecular consequence: missense variant.
Genome position (GRCh38, 1-based): chrX:38,408,943, C>A. VCF-style: chrX-38408943-C-A. GRCh37 (hg19) VCF-style: chrX-38268196-C-A.
Other names: short protein forms T262K.
Identifiers: ClinVar variation 97322 (VCV000097322.2), dbSNP rs67333670, ClinGen allele CA224784.

ClinVar aggregate classification (germline): Pathogenic (0 of 4 stars; one submission).

Submission:

GenMed Metabolism Lab
Classification: Pathogenic. Review status: no assertion criteria provided. Collection method: not provided. Allele origin: unknown.
Comment: p.Thr262Lys, Late, Somatic mosaicism
ClinVar note: Converted during submission from pathogenic to Pathogenic.